The following is an entry in ClinVar:

NM_018671.5(UNC45A):c.1148A>G (p.Lys383Arg)

Gene: UNC45A (unc-45 myosin chaperone A; plus strand). Cytogenetic location: 15q26.1.
Variant type: single nucleotide variant.
Coding change: c.1148A>G on transcript NM_018671.5 (MANE Select); coding-DNA position 1148, A replaced by G.
Protein change: p.Lys383Arg; replaces lysine 383 with arginine.
Molecular consequence: missense variant.
Genome position (GRCh38, 1-based): chr15:90,945,012, A>G. VCF-style: chr15-90945012-A-G. GRCh37 (hg19) VCF-style: chr15-91488242-A-G.
Other names: c.1103A>G, p.Lys368Arg (NM_001039675.2, NM_001323621.2); c.1148A>G, p.Lys383Arg (NM_001323619.1); c.713A>G, p.Lys238Arg (NM_001323620.2); short protein forms K238R, K368R, K383R.
Identifiers: ClinVar variation 2786092 (VCV002786092.3), dbSNP rs1374925552, ClinGen allele CA393855207.
Genomic context (GRCh38, chr15:90,945,012, plus strand): 5'-TGACCGCAAACAGCCGCATGAGCGCCTCTATTCTCCTCAGCAAGCTCTTTGATGACCTCA[A>G]GTGTGATGCGGAGAGGGAGAATTTCCACAGACTTTGTGAAAACTACATCAAGTAAGGAAG-3'
Protein context (NP_061141.2, residues 373-393): ILLSKLFDDL[Lys383Arg]CDAERENFHR

ClinVar aggregate classification (germline): Uncertain significance (1 of 4 stars; one submission).

Allele frequency attached by ClinVar (database versions not stated): gnomAD exomes below 0.00001.
gnomAD v4.1: 2 of 1,613,158 alleles (0.00012%); highest among the groups gnomAD compares: Admixed American, 0.0033%; no homozygotes.

Submission:

Labcorp Genetics (formerly Invitae), Labcorp
Classification: Uncertain significance. Last evaluated: 2023-10-13. Review status: criteria provided, single submitter. Criteria: Invitae Variant Classification Sherloc (09022015). Collection method: clinical testing. Allele origin: germline.
Comment: This sequence change replaces lysine, which is basic and polar, with arginine, which is basic and polar, at codon 383 of the UNC45A protein (p.Lys383Arg). This variant is present in population databases (no rsID available, gnomAD 0.006%). This variant has not been reported in the literature in individuals affected with UNC45A-related conditions. Algorithms developed to predict the effect of missense changes on protein structure and function output the following: SIFT: "Not Available"; PolyPhen-2: "Benign"; Align-GVGD: "Not Available". The arginine amino acid residue is found in multiple mammalian species, which suggests that this missense change does not adversely affect protein function. In summary, the available evidence is currently insufficient to determine the role of this variant in disease. Therefore, it has been classified as a Variant of Uncertain Significance.